The following is an entry in ClinVar:

NM_000179.3(MSH6):c.755C>G (p.Ser252Ter)

Gene: MSH6 (mutS homolog 6; plus strand). Cytogenetic location: 2p16.3.
Variant type: single nucleotide variant.
Coding change: c.755C>G on transcript NM_000179.3 (MANE Select); coding-DNA position 755, C replaced by G.
Protein change: p.Ser252Ter; replaces serine 252 with a stop codon.
Molecular consequence: nonsense. On other transcripts: 5 prime UTR variant (2).
Genome position (GRCh38, 1-based): chr2:47,798,738, C>G. VCF-style: chr2-47798738-C-G. GRCh37 (hg19) VCF-style: chr2-48025877-C-G.
Other names: c.365C>G, p.Ser122Ter (NM_001281492.2); c.-152C>G (NM_001281493.2, NM_001281494.2); short protein forms S252*, S122*.
Identifiers: ClinVar variation 89566 (VCV000089566.4), dbSNP rs267608048, ClinGen allele CA016437.
Genomic context (GRCh38, chr2:47,798,738, plus strand): 5'-AGCCTAAGACACAAGGATCTAGGCGAAGTAGCCGCCAAATAAAAAAACGAAGGGTCATAT[C>G]AGATTCTGAGAGTGACATTGGTGGCTCTGATGTGGAATTTAAGCCAGACACTAAGGAGGA-3'

ClinVar aggregate classification (germline): Pathogenic. Review status: reviewed by expert panel (3 of 4 stars). 3 submissions from 3 submitters: Pathogenic (1). 2 of the submissions do not count toward it. Last evaluated 2013-09-05.

Conditions:
Lynch syndrome 5 (LYNCH5). Also called: Hereditary non-polyposis colorectal cancer, type 5; Colorectal cancer, hereditary nonpolyposis, type 5. Identifiers: Orphanet 144, MedGen C1833477, MONDO:0013710, OMIM 614350. Disease mechanism: loss of function.
Endometrial carcinoma. Also called: Endometrial carcinoma, somatic. Identifiers: MedGen C0476089, MONDO:0002447, OMIM 608089, HP:0012114.
Lynch syndrome. Identifiers: Orphanet 144, MedGen C4552100, MONDO:0005835. Disease mechanism: loss of function.

Submissions (3):

International Society for Gastrointestinal Hereditary Tumours (InSiGHT)
Classification: Pathogenic for Lynch Syndrome. Last evaluated: 2013-09-05. Review status: reviewed by expert panel. Criteria: Guidelines v1.9. Collection method: research. Allele origin: germline.
Comment: Coding sequence variation resulting in a stop codon

Classified with v1.9 guidelines

Myriad Genetics, Inc.
Classification: Pathogenic for Lynch syndrome 5. Last evaluated: 2023-08-10. Review status: criteria provided, single submitter. Criteria: Myriad Autosomal Dominant, Autosomal Recessive and X-Linked Classification Criteria (2023). Collection method: clinical testing. Allele origin: unknown. Not counted in ClinVar's aggregate classification.
Comment: This variant is considered pathogenic. This variant creates a termination codon and is predicted to result in premature protein truncation.

Department of Pathology and Laboratory Medicine, Sinai Health System
Classification: Pathogenic for Endometrial carcinoma. Review status: no assertion criteria provided. Collection method: clinical testing. Allele origin: unknown. Affected: yes. Observed: 1 variant allele. Study: The Canadian Open Genetics Repository (COGR). Not counted in ClinVar's aggregate classification.
Comment: The MSH6 p.Ser252* variant was identified in 1 of 250 proband chromosomes (frequency: 0.004) from individuals or families with endometrial cancer (Devlin 2008). The variant was also identified in dbSNP (ID: rs267608048 as "With Pathogenic allele"), ClinVar (classified as pathogenic by InSiGHT), Mismatch Repair Genes Variant Database, and Insight Hereditary Tumors databases. The variant was not identified in Gene Insight-COGR, Cosmic, MutDB, UMD-LSDB, or Zhejiang University Database. The variant was not identified in the following control databases: the 1000 Genomes Project, the NHLBI GO Exome Sequencing Project, the Exome Aggregation Consortium (August 8th 2016), or the Genome Aggregation Database (Feb 27, 2017). The c.755C>G variant leads to a premature stop codon at position 252, which is predicted to lead to a truncated protein and loss of function. Loss of function variants of the MSH6 gene are an established mechanism of disease in MSH6-associated cancers and is the type of variant expected to cause the disorder. In summary, based on the above information, this variant meets our laboratoryâ€šÃ„Ã´s criteria to be classified as pathogenic.